The following is an entry in ClinVar:

ClinVar aggregate classification (germline): Pathogenic/Likely pathogenic. Review status: criteria provided, multiple submitters, no conflicts (2 of 4 stars). 2 submissions from 2 submitters: Pathogenic (1); Likely pathogenic (1). Last evaluated 2021-10-14.

Conditions:
Neurodevelopmental disorder with or without hyperkinetic movements and seizures, autosomal dominant. Also called: Intellectual disability, autosomal dominant 8. Identifiers: MedGen C3280282, MONDO:0013655, OMIM 614254.

Submissions (2):

Labcorp Genetics (formerly Invitae), Labcorp
Classification: Pathogenic for Neurodevelopmental disorder with or without hyperkinetic movements and seizures, autosomal dominant. Last evaluated: 2021-10-14. Review status: criteria provided, single submitter. Criteria: Invitae Variant Classification Sherloc (09022015). Collection method: clinical testing. Allele origin: germline.
Comment: This sequence change replaces glycine with alanine at codon 638 of the GRIN1 protein (p.Gly638Ala). The glycine residue is highly conserved and there is a small physicochemical difference between glycine and alanine. This variant is not present in population databases (ExAC no frequency). For these reasons, this variant has been classified as Pathogenic. Advanced modeling of protein sequence and biophysical properties (such as structural, functional, and spatial information, amino acid conservation, physicochemical variation, residue mobility, and thermodynamic stability) performed at Invitae indicates that this missense variant is expected to disrupt GRIN1 protein function. ClinVar contains an entry for this variant (Variation ID: 975942). This missense change has been observed in individual(s) with clinical features of GRIN1-related conditions (Invitae). In at least one individual the variant was observed to be de novo.

Institute of Human Genetics, University of Leipzig Medical Center
Classification: Likely pathogenic for Neurodevelopmental disorder with or without hyperkinetic movements and seizures, autosomal dominant. Last evaluated: 2021-03-11. Review status: criteria provided, single submitter. Criteria: ACMG Guidelines, 2015. Collection method: clinical testing. Allele origin: de novo. Affected: yes.
Comment: This variant was identified as de novo (maternity and paternity confirmed).

NM_007327.4(GRIN1):c.1913G>C (p.Gly638Ala)

Gene: GRIN1 (glutamate ionotropic receptor NMDA type subunit 1; plus strand). Cytogenetic location: 9q34.3.
Variant type: single nucleotide variant.
Coding change: c.1913G>C on transcript NM_007327.4 (MANE Select); coding-DNA position 1913, G replaced by C.
Protein change: p.Gly638Ala; replaces glycine 638 with alanine.
Molecular consequence: missense variant.
Genome position (GRCh38, 1-based): chr9:137,162,639, G>C. VCF-style: chr9-137162639-G-C. GRCh37 (hg19) VCF-style: chr9-140057091-G-C.
Other names: c.1913G>C, p.Gly638Ala (NM_000832.7, NM_021569.4); c.1976G>C, p.Gly659Ala (NM_001185090.2, NM_001185091.2); short protein forms G638A, G659A.
Identifiers: ClinVar variation 975942 (VCV000975942.8), dbSNP rs1393555703, ClinGen allele CA375720577.
Genomic context (GRCh38, chr9:137,162,639, plus strand): 5'-GCCCGCCCACAGGCGCCCCCAGAAGCTTCTCAGCGCGCATCCTGGGCATGGTGTGGGCCG[G>C]CTTTGCCATGATCATCGTGGCCTCCTACACCGCCAACCTGGCGGCCTTCCTGGTGCTGGA-3'
Protein context (NP_015566.1, residues 628-648): SARILGMVWA[Gly638Ala]FAMIIVASYT